The following is an entry in ClinVar:

ClinVar aggregate classification (germline): Uncertain significance (1 of 4 stars; one submission).

Submission:

Labcorp Genetics (formerly Invitae), Labcorp
Classification: Uncertain significance. Last evaluated: 2023-10-06. Review status: criteria provided, single submitter. Criteria: Invitae Variant Classification Sherloc (09022015). Collection method: clinical testing. Allele origin: germline.
Comment: This sequence change falls in intron 4 of the SYT2 gene. It does not directly change the encoded amino acid sequence of the SYT2 protein. This variant is present in population databases (no rsID available, gnomAD 0.003%). This variant has not been reported in the literature in individuals affected with SYT2-related conditions. Algorithms developed to predict the effect of sequence changes on RNA splicing suggest that this variant may create or strengthen a splice site. In summary, the available evidence is currently insufficient to determine the role of this variant in disease. Therefore, it has been classified as a Variant of Uncertain Significance.

NM_177402.5(SYT2):c.466-13TC[2]

Gene: SYT2 (synaptotagmin 2; minus strand). Cytogenetic location: 1q32.1.
Variant type: Microsatellite.
Coding change: c.466-13TC[2] on transcript NM_177402.5 (MANE Select); two copies in a row of the 2-base unit TC starting at c.466-13; the reference has four copies in a row; two copies, 4 bases deleted.
Molecular consequence: intron variant.
Genome position (GRCh38, 1-based): chr1:202,602,551-202,602,554, GAGA deleted on the plus strand (TCTC on the coding strand, the reverse complement: SYT2 is on the minus strand); deleting any 4 consecutive bases within chr1:202,602,551-202,602,558 gives the same sequence; the position shown is the placement nearest the transcript's 3' end. VCF-style (leftmost placement, unchanged base first): chr1-202602550-GGAGA-G. GRCh37 (hg19) VCF-style: chr1-202571678-GGAGA-G.
Other names: c.466-13TC[2] (NM_001136504.1).
Identifiers: ClinVar variation 2977355 (VCV002977355.3), dbSNP rs1288413476, ClinGen allele CA528130395.
Genomic context (GRCh38, chr1:202,602,550, plus strand): 5'-GTGCCTCCCATGTCCAGGGCAGGCAGTTCAGCAGCCTGCAGAACGCCCACAGTAAGCTGT[GGAGA>G]GAGATGGGGAGAAGGGGCCTGAGTCTCAGGACTGCTCCAATACCACAACTGGCCCCAGAC-3'